The following is an entry in ClinVar:

NM_000459.5(TEK):c.213G>A (p.Pro71=)

Gene: TEK (TEK receptor tyrosine kinase; plus strand). Cytogenetic location: 9p21.2.
Variant type: single nucleotide variant.
Coding change: c.213G>A on transcript NM_000459.5 (MANE Select); coding-DNA position 213, G replaced by A.
Protein change: p.Pro71=; no amino-acid change (proline 71 retained).
Molecular consequence: synonymous variant. On other transcripts: intron variant (1).
Genome position (GRCh38, 1-based): chr9:27,157,991, G>A. VCF-style: chr9-27157991-G-A. GRCh37 (hg19) VCF-style: chr9-27157989-G-A.
Other names: c.213G>A, p.Pro71= (NM_001290077.2, NM_001375475.1, NM_001375476.1); c.53-10504G>A (NM_001290078.2).
Identifiers: ClinVar variation 3049125 (VCV003049125.2), dbSNP rs774440968, ClinGen allele CA5015862.
Genomic context (GRCh38, chr9:27,157,991, plus strand): 5'-CCATGAGCCCATCACCATAGGAAGGGACTTTGAAGCCTTAATGAACCAGCACCAGGATCC[G>A]CTGGAAGTTACTCAAGATGTGACCAGAGAATGGGCTAAAAAAGTTGTTTGGAAGAGAGAA-3'
Protein context (NP_000450.3, residues 61-81): FEALMNQHQD[Pro71=]LEVTQDVTRE

ClinVar aggregate classification (germline): Likely benign (0 of 4 stars; one submission).

Conditions:
TEK-related disorder. Also called: TEK-related condition.

Allele frequency attached by ClinVar (database versions not stated): ExAC 0.00001; gnomAD 0.00001; gnomAD exomes 0.00001.
gnomAD v4.1: 13 of 1,613,912 alleles (0.00081%); highest among the groups gnomAD compares: Middle Eastern, 0.033%; no homozygotes.

Submission:

PreventionGenetics, part of Exact Sciences
Classification: Likely benign for TEK-related condition. Last evaluated: 2019-11-25. Review status: no assertion criteria provided. Collection method: clinical testing. Allele origin: germline.
Comment: This variant is classified as likely benign based on ACMG/AMP sequence variant interpretation guidelines (Richards et al. 2015 PMID: 25741868, with internal and published modifications).